The following is an entry in ClinVar:

ClinVar aggregate classification (germline): Pathogenic (1 of 4 stars; one submission).

Submission:

GeneDx
Classification: Pathogenic. Last evaluated: 2023-10-11. Review status: criteria provided, single submitter. Criteria: GeneDx Variant Classification Process June 2021. Collection method: clinical testing. Allele origin: germline. Affected: yes.
Comment: Not observed at significant frequency in large population cohorts (gnomAD); In silico analysis supports that this missense variant has a deleterious effect on protein structure/function; Has not been previously published as pathogenic or benign to our knowledge

NM_170675.5(MEIS2):c.991A>G (p.Arg331Gly)

Gene: MEIS2 (Meis homeobox 2; minus strand). Cytogenetic location: 15q14.
Variant type: single nucleotide variant.
Coding change: c.991A>G on transcript NM_170675.5 (MANE Select); coding-DNA position 991, A replaced by G.
Protein change: p.Arg331Gly; replaces arginine 331 with glycine.
Molecular consequence: missense variant. On other transcripts: non-coding transcript variant (1).
Genome position (GRCh38, 1-based): chr15:36,896,673, T>C on the plus strand (A>G on the coding strand, the complement: MEIS2 is on the minus strand). VCF-style: chr15-36896673-T-C. GRCh37 (hg19) VCF-style: chr15-37188874-T-C.
Other names: c.991A>G, p.Arg331Gly (NM_001220482.2, NM_170674.5, NM_170676.5 and 1 more transcripts); c.952A>G, p.Arg318Gly (NM_002399.4, NM_172315.3); c.727A>G, p.Arg243Gly (NM_172316.3); short protein forms R243G, R318G, R331G.
Identifiers: ClinVar variation 2662809 (VCV002662809.1), dbSNP rs2504250511, ClinGen allele CA391926961.